The following is an entry in ClinVar:

NM_014915.3(ANKRD26):c.1708G>T (p.Asp570Tyr)

Gene: ANKRD26 (ankyrin repeat domain 26; minus strand). Cytogenetic location: 10p12.1.
Variant type: single nucleotide variant.
Coding change: c.1708G>T on transcript NM_014915.3 (MANE Select); coding-DNA position 1708, G replaced by T.
Protein change: p.Asp570Tyr; replaces aspartic acid 570 with tyrosine.
Molecular consequence: missense variant.
Genome position (GRCh38, 1-based): chr10:27,048,907, C>A on the plus strand (G>T on the coding strand, the complement: ANKRD26 is on the minus strand). VCF-style: chr10-27048907-C-A. GRCh37 (hg19) VCF-style: chr10-27337836-C-A.
Other names: c.1708G>T, p.Asp570Tyr (NM_001256053.2); short protein forms D570Y.
Identifiers: ClinVar variation 4859904 (VCV004859904.1).

ClinVar aggregate classification (germline): Uncertain significance (1 of 4 stars; one submission).

Conditions:
Inborn genetic diseases. Identifiers: MedGen C0950123, MeSH D030342.

Submission:

Ambry Genetics
Classification: Uncertain significance for Inborn genetic diseases. Last evaluated: 2026-05-22. Review status: criteria provided, single submitter. Criteria: Ambry Variant Classification Scheme 2023. Collection method: clinical testing. Allele origin: germline.
Comment: The p.D570Y variant (also known as c.1708G>T), located in coding exon 17 of the ANKRD26 gene, results from a G to T substitution at nucleotide position 1708. The aspartic acid at codon 570 is replaced by tyrosine, an amino acid with highly dissimilar properties. This amino acid position is conserved. In addition, this alteration is predicted to be tolerated by in silico analysis. Based on the available evidence, the clinical significance of this variant remains unclear.